The following is an entry in ClinVar:

NM_004360.5(CDH1):c.2010G>A (p.Met670Ile)

Gene: CDH1 (cadherin 1; plus strand). Cytogenetic location: 16q22.1.
Variant type: single nucleotide variant.
Coding change: c.2010G>A on transcript NM_004360.5 (MANE Select); coding-DNA position 2010, G replaced by A.
Protein change: p.Met670Ile; replaces methionine 670 with isoleucine.
Molecular consequence: missense variant.
Genome position (GRCh38, 1-based): chr16:68,823,472, G>A. VCF-style: chr16-68823472-G-A. GRCh37 (hg19) VCF-style: chr16-68857375-G-A.
Other names: c.1827G>A, p.Met609Ile (NM_001317184.2); c.462G>A, p.Met154Ile (NM_001317185.2); c.45G>A, p.Met15Ile (NM_001317186.2); c.2010G>A (NM_004360.3); short protein forms M609I, M15I, M154I, M670I.
Identifiers: ClinVar variation 1484320 (VCV001484320.8), dbSNP rs2152139379, ClinGen allele CA396467657.

ClinVar aggregate classification (germline): Conflicting classifications of pathogenicity. Review status: criteria provided, conflicting classifications (1 of 4 stars). 2 submissions from 2 submitters: Uncertain significance (1); Likely benign (1). Last evaluated 2026-06-01.

Conditions:
Hereditary cancer-predisposing syndrome. Also called: Tumor predisposition; Neoplastic Syndromes, Hereditary; Hereditary Cancer Syndrome; Hereditary neoplastic syndrome. Identifiers: Orphanet 140162, MedGen C0027672, MeSH D009386, MONDO:0015356.
Hereditary diffuse gastric adenocarcinoma (HDGC). Also called: DIFFUSE GASTRIC AND LOBULAR BREAST CANCER SYNDROME. Identifiers: Orphanet 26106, MedGen C1708349, MONDO:0007648, OMIM 137215.

gnomAD v4.1: 1 of 1,614,052 alleles (0.000062%); highest among the groups gnomAD compares: East Asian, 0.0022%; no homozygotes.

Submissions (2):

Ambry Genetics
Classification: Likely benign for Hereditary cancer-predisposing syndrome. Last evaluated: 2026-06-01. Review status: criteria provided, single submitter. Criteria: Ambry Variant Classification Scheme 2023. Collection method: clinical testing. Allele origin: germline.

Labcorp Genetics (formerly Invitae), Labcorp
Classification: Uncertain significance for Hereditary diffuse gastric adenocarcinoma. Last evaluated: 2021-10-05. Review status: criteria provided, single submitter. Criteria: Invitae Variant Classification Sherloc (09022015). Collection method: clinical testing. Allele origin: germline.
Comment: In summary, the available evidence is currently insufficient to determine the role of this variant in disease. Therefore, it has been classified as a Variant of Uncertain Significance. Algorithms developed to predict the effect of missense changes on protein structure and function output the following: SIFT: "Tolerated"; PolyPhen-2: "Benign"; Align-GVGD: "Class C0". The isoleucine amino acid residue is found in multiple mammalian species, which suggests that this missense change does not adversely affect protein function. This variant has not been reported in the literature in individuals affected with CDH1-related conditions. This variant is not present in population databases (ExAC no frequency). This sequence change replaces methionine with isoleucine at codon 670 of the CDH1 protein (p.Met670Ile). The methionine residue is weakly conserved and there is a small physicochemical difference between methionine and isoleucine.